The following is an entry in ClinVar:

NM_001382391.1(CSPP1):c.1078G>T (p.Ala360Ser)

Gene: CSPP1 (centrosome and spindle pole associated protein 1; plus strand). Cytogenetic location: 8q13.2.
Variant type: single nucleotide variant.
Coding change: c.1078G>T on transcript NM_001382391.1 (MANE Select); coding-DNA position 1078, G replaced by T.
Protein change: p.Ala360Ser; replaces alanine 360 with serine.
Molecular consequence: missense variant.
Genome position (GRCh38, 1-based): chr8:67,105,960, G>T. VCF-style: chr8-67105960-G-T. GRCh37 (hg19) VCF-style: chr8-68018195-G-T.
Other names: c.223G>T, p.Ala75Ser (NM_001291339.2); c.997G>T, p.Ala333Ser (NM_001363131.2, NM_001363133.2); c.1078G>T, p.Ala360Ser (NM_001363132.2); c.1186G>T, p.Ala396Ser (NM_001364869.1); c.1006G>T, p.Ala336Ser (NM_001364870.1); c.1105G>T, p.Ala369Ser (NM_024790.7); short protein forms A336S, A369S, A333S, A360S, A75S, A396S.
Identifiers: ClinVar variation 1905142 (VCV001905142.5), dbSNP rs2488787832, ClinGen allele CA371194657.
Genomic context (GRCh38, chr8:67,105,960, plus strand): 5'-TTTAGTGCTCCAGACAATGAAACATCCAAATCTGCTAATCAAGATACCTGTAGTCCTTTT[G>T]CAGGGATGCTCTTTGGTAGGCACAAAACTTCCAACTAGTTGCGCTTGTATAGAGTGTCTT-3'
Protein context (NP_001369320.1, residues 350-370): SANQDTCSPF[Ala360Ser]GMLFGGEDRE

ClinVar aggregate classification (germline): Uncertain significance (1 of 4 stars; one submission).

Conditions:
Joubert syndrome 21 (JBTS21). Identifiers: MedGen C3810212, MONDO:0014288, OMIM 615636.

Submission:

Labcorp Genetics (formerly Invitae), Labcorp
Classification: Uncertain significance for Joubert syndrome 21. Last evaluated: 2022-08-02. Review status: criteria provided, single submitter. Criteria: Invitae Variant Classification Sherloc (09022015). Collection method: clinical testing. Allele origin: germline.
Comment: This sequence change replaces alanine, which is neutral and non-polar, with serine, which is neutral and polar, at codon 369 of the CSPP1 protein (p.Ala369Ser). This variant is not present in population databases (gnomAD no frequency). This variant has not been reported in the literature in individuals affected with CSPP1-related conditions. Algorithms developed to predict the effect of missense changes on protein structure and function output the following: SIFT: "Tolerated"; PolyPhen-2: "Benign"; Align-GVGD: "Class C0". The serine amino acid residue is found in multiple mammalian species, which suggests that this missense change does not adversely affect protein function. In summary, the available evidence is currently insufficient to determine the role of this variant in disease. Therefore, it has been classified as a Variant of Uncertain Significance.